The following is an entry in ClinVar:

ClinVar aggregate classification (germline): Uncertain significance (1 of 4 stars; one submission).

Conditions:
Hereditary cancer-predisposing syndrome. Also called: Neoplastic Syndromes, Hereditary; Hereditary Cancer Syndrome; Tumor predisposition; Hereditary neoplastic syndrome. Identifiers: Orphanet 140162, MedGen C0027672, MeSH D009386, MONDO:0015356.

Submission:

Ambry Genetics
Classification: Uncertain significance for Hereditary cancer-predisposing syndrome. Last evaluated: 2025-02-03. Review status: criteria provided, single submitter. Criteria: Ambry Variant Classification Scheme 2023. Collection method: clinical testing. Allele origin: germline.
Comment: The p.E209D variant (also known as c.627G>T), located in coding exon 3 of the TMEM127 gene, results from a G to T substitution at nucleotide position 627. The glutamic acid at codon 209 is replaced by aspartic acid, an amino acid with highly similar properties. This amino acid position is conserved. In addition, the in silico prediction for this alteration is inconclusive. Based on the available evidence, the clinical significance of this variant remains unclear.

NM_017849.4(TMEM127):c.627G>T (p.Glu209Asp)

Gene: TMEM127 (transmembrane protein 127; minus strand). Cytogenetic location: 2q11.2.
Variant type: single nucleotide variant.
Coding change: c.627G>T on transcript NM_017849.4 (MANE Select); coding-DNA position 627, G replaced by T.
Protein change: p.Glu209Asp; replaces glutamic acid 209 with aspartic acid.
Molecular consequence: missense variant.
Genome position (GRCh38, 1-based): chr2:96,253,898, C>A on the plus strand (G>T on the coding strand, the complement: TMEM127 is on the minus strand). VCF-style: chr2-96253898-C-A. GRCh37 (hg19) VCF-style: chr2-96919636-C-A.
Other names: c.627G>T, p.Glu209Asp (NM_001193304.3); c.375G>T, p.Glu125Asp (NM_001407282.1, NM_001407283.1); short protein forms E125D, E209D.
Identifiers: ClinVar variation 3807751 (VCV003807751.1).